The following is an entry in ClinVar:

ClinVar aggregate classification (germline): Uncertain significance. Review status: criteria provided, multiple submitters, no conflicts (2 of 4 stars). 2 submissions from 2 submitters: Uncertain significance (2). Last evaluated 2023-10-14.

Allele frequency attached by ClinVar (database versions not stated): gnomAD exomes below 0.00001.
gnomAD v4.1: 1 of 1,614,194 alleles (0.000062%); highest among the groups gnomAD compares: Non-Finnish European, 0.000085%; no homozygotes.

Submissions (2):

Labcorp Genetics (formerly Invitae), Labcorp
Classification: Uncertain significance. Last evaluated: 2023-10-14. Review status: criteria provided, single submitter. Criteria: Invitae Variant Classification Sherloc (09022015). Collection method: clinical testing. Allele origin: germline.
Comment: This sequence change replaces tyrosine, which is neutral and polar, with cysteine, which is neutral and slightly polar, at codon 579 of the POLR1A protein (p.Tyr579Cys). This variant is not present in population databases (gnomAD no frequency). This variant has not been reported in the literature in individuals affected with POLR1A-related conditions. ClinVar contains an entry for this variant (Variation ID: 1302986). Advanced modeling of protein sequence and biophysical properties (such as structural, functional, and spatial information, amino acid conservation, physicochemical variation, residue mobility, and thermodynamic stability) performed at Invitae indicates that this missense variant is expected to disrupt POLR1A protein function. In summary, the available evidence is currently insufficient to determine the role of this variant in disease. Therefore, it has been classified as a Variant of Uncertain Significance.

GeneDx
Classification: Uncertain significance. Last evaluated: 2021-05-25. Review status: criteria provided, single submitter. Criteria: GeneDx Variant Classification Process June 2021. Collection method: clinical testing. Allele origin: germline. Affected: yes.
Comment: Not observed at significant frequency in large population cohorts (Lek et al., 2016); In silico analysis supports that this missense variant has a deleterious effect on protein structure/function; Has not been previously published as pathogenic or benign to our knowledge; Variants in candidate genes are classified as variants of uncertain significance in accordance with ACMG guidelines (Richards et al., 2015)

NM_015425.6(POLR1A):c.1736A>G (p.Tyr579Cys)

Genes: POLR1A (RNA polymerase I subunit A; minus strand), LOC126806264 (MED14-independent group 3 enhancer GRCh37_chr2:86296595-86297794; plus strand). Cytogenetic location: 2p11.2.
Variant type: single nucleotide variant.
Coding change: c.1736A>G on transcript NM_015425.6 (MANE Select); coding-DNA position 1736, A replaced by G.
Protein change: p.Tyr579Cys; replaces tyrosine 579 with cysteine.
Molecular consequence: missense variant.
Genome position (GRCh38, 1-based): chr2:86,070,148, T>C on the plus strand (A>G on the coding strand, the complement: POLR1A is on the minus strand). VCF-style: chr2-86070148-T-C. GRCh37 (hg19) VCF-style: chr2-86297271-T-C.
Other names: short protein forms Y579C.
Identifiers: ClinVar variation 1302986 (VCV001302986.5), dbSNP rs2104412833, ClinGen allele CA347548648.